The following is an entry in ClinVar:

NM_003630.3(PEX3):c.254A>G (p.Asn85Ser)

Gene: PEX3 (peroxisomal biogenesis factor 3; plus strand). Cytogenetic location: 6q24.2.
Variant type: single nucleotide variant.
Coding change: c.254A>G on transcript NM_003630.3 (MANE Select); coding-DNA position 254, A replaced by G.
Protein change: p.Asn85Ser; replaces asparagine 85 with serine.
Molecular consequence: missense variant.
Genome position (GRCh38, 1-based): chr6:143,462,964, A>G. VCF-style: chr6-143462964-A-G. GRCh37 (hg19) VCF-style: chr6-143784101-A-G.
Other names: short protein forms N85S.
Identifiers: ClinVar variation 595253 (VCV000595253.10), dbSNP rs1562652385, ClinGen allele CA365906532.

ClinVar aggregate classification (germline): Uncertain significance. Review status: criteria provided, multiple submitters, no conflicts (2 of 4 stars). 2 submissions from 2 submitters: Uncertain significance (2). Last evaluated 2022-09-07.

gnomAD v4.1: 1 of 1,613,912 alleles (0.000062%); no homozygotes.

Submissions (2):

Labcorp Genetics (formerly Invitae), Labcorp
Classification: Uncertain significance. Last evaluated: 2022-09-07. Review status: criteria provided, single submitter. Criteria: Invitae Variant Classification Sherloc (09022015). Collection method: clinical testing. Allele origin: germline.
Comment: This sequence change replaces asparagine, which is neutral and polar, with serine, which is neutral and polar, at codon 85 of the PEX3 protein (p.Asn85Ser). This variant is not present in population databases (gnomAD no frequency). This variant has not been reported in the literature in individuals affected with PEX3-related conditions. ClinVar contains an entry for this variant (Variation ID: 595253). Algorithms developed to predict the effect of missense changes on protein structure and function are either unavailable or do not agree on the potential impact of this missense change (SIFT: "Tolerated"; PolyPhen-2: "Possibly Damaging"; Align-GVGD: "Class C0"). In summary, the available evidence is currently insufficient to determine the role of this variant in disease. Therefore, it has been classified as a Variant of Uncertain Significance.

Eurofins Ntd Llc (ga)
Classification: Uncertain significance. Last evaluated: 2017-12-05. Review status: criteria provided, single submitter. Criteria: EGL Classification Definitions 2015. Collection method: clinical testing. Allele origin: germline. Observed: 1 variant allele, 1 heterozygote.